The following is an entry in ClinVar:

NM_003383.5(VLDLR):c.2252-75A>G

Gene: VLDLR (very low density lipoprotein receptor; plus strand). Cytogenetic location: 9p24.2.
Variant type: single nucleotide variant.
Coding change: c.2252-75A>G on transcript NM_003383.5 (MANE Select); 75 bases into the intron before coding-DNA position 2252, A replaced by G.
Molecular consequence: intron variant.
Genome position (GRCh38, 1-based): chr9:2,651,340, A>G. VCF-style: chr9-2651340-A-G. GRCh37 (hg19) VCF-style: chr9-2651340-A-G.
Other names: c.2252-534A>G (NM_001018056.3); c.2129-75A>G (NM_001322225.2); c.2129-534A>G (NM_001322226.2).
Identifiers: ClinVar variation 672298 (VCV000672298.2), dbSNP rs35769682, ClinGen allele CA187960262.

ClinVar aggregate classification (germline): Benign. Review status: criteria provided, multiple submitters, no conflicts (2 of 4 stars). 2 submissions from 2 submitters: Benign (2). Last evaluated 2018-06-19.

Allele frequency attached by ClinVar (database versions not stated): 1000 Genomes Project 0.08446; TOPMed 0.13535; gnomAD 0.14891; 1000 Genomes Project 30x 0.08526.
gnomAD v4.1: 212,188 of 1,303,326 alleles (16%); highest among the groups gnomAD compares: Non-Finnish European, 18%; 19,260 homozygotes.

Submissions (2):

GeneDx
Classification: Benign. Last evaluated: 2018-06-19. Review status: criteria provided, single submitter. Criteria: GeneDx Variant Classification (06012015). Collection method: clinical testing. Allele origin: germline. Affected: yes.
Comment: This variant is considered likely benign or benign based on one or more of the following criteria: it is a conservative change, it occurs at a poorly conserved position in the protein, it is predicted to be benign by multiple in silico algorithms, and/or has population frequency not consistent with disease.

Breakthrough Genomics
Classification: Benign. Review status: criteria provided, single submitter. Criteria: ACMG Guidelines, 2015. Collection method: not provided. Allele origin: germline. Inheritance: Autosomal recessive inheritance. Affected: yes.